The following is an entry in ClinVar:

ClinVar aggregate classification (germline): Pathogenic (1 of 4 stars; one submission).

Submissions (3):

Labcorp Genetics (formerly Invitae), Labcorp
Classification: Pathogenic. Last evaluated: 2022-07-05. Review status: criteria provided, single submitter. Criteria: Invitae Variant Classification Sherloc (09022015). Collection method: clinical testing. Allele origin: germline.
Comment: This sequence change creates a premature translational stop signal (p.Arg142*) in the SLC5A6 gene. It is expected to result in an absent or disrupted protein product. Loss-of-function variants in SLC5A6 are known to be pathogenic (PMID: 27904971, 31754459). This variant is present in population databases (no rsID available, gnomAD 0.01%). This variant has not been reported in the literature in individuals affected with SLC5A6-related conditions. Algorithms developed to predict the effect of sequence changes on RNA splicing suggest that this variant may disrupt the consensus splice site. For these reasons, this variant has been classified as Pathogenic.

Dr. Peter K. Rogan Lab, Western University
No classification provided (evidence only). Condition: Squamous cell lung carcinoma. Review status: no classification provided. Collection method: in vitro. Allele origin: not applicable. Functional consequence: skipped exon, retained intron. Not counted in ClinVar's aggregate classification.

Dr. Peter K. Rogan Lab, Western University
No classification provided (evidence only). Condition: Cervical cancer. Review status: no classification provided. Collection method: in vitro. Allele origin: not applicable. Functional consequence: skipped exon, retained intron. Not counted in ClinVar's aggregate classification.

Literature cited by the submitters: PubMed 27904971 (cited by Labcorp Genetics (formerly Invitae), Labcorp); PubMed 31754459 (cited by Labcorp Genetics (formerly Invitae), Labcorp).

NM_021095.4(SLC5A6):c.424C>T (p.Arg142Ter)

Gene: SLC5A6 (solute carrier family 5 member 6; minus strand). Cytogenetic location: 2p23.3.
Variant type: single nucleotide variant.
Coding change: c.424C>T on transcript NM_021095.4 (MANE Select); coding-DNA position 424, C replaced by T.
Protein change: p.Arg142Ter; replaces arginine 142 with a stop codon.
Molecular consequence: nonsense. On other transcripts: non-coding transcript variant (1).
Genome position (GRCh38, 1-based): chr2:27,206,912, G>A on the plus strand (C>T on the coding strand, the complement: SLC5A6 is on the minus strand). VCF-style: chr2-27206912-G-A. GRCh37 (hg19) VCF-style: chr2-27429780-G-A.
Other names: short protein forms R142*.
Identifiers: ClinVar variation 2064630 (VCV002064630.2), dbSNP rs1558510783, ClinGen allele CA346179955.